The following is an entry in ClinVar:

NM_000465.4(BARD1):c.1903T>G (p.Trp635Gly)

Gene: BARD1 (BRCA1 associated RING domain 1; minus strand). Cytogenetic location: 2q35.
Variant type: single nucleotide variant.
Coding change: c.1903T>G on transcript NM_000465.4 (MANE Select); coding-DNA position 1903, T replaced by G.
Protein change: p.Trp635Gly; replaces tryptophan 635 with glycine.
Molecular consequence: missense variant. On other transcripts: non-coding transcript variant (3), intron variant (1).
Genome position (GRCh38, 1-based): chr2:214,745,067, A>C on the plus strand (T>G on the coding strand, the complement: BARD1 is on the minus strand). VCF-style: chr2-214745067-A-C. GRCh37 (hg19) VCF-style: chr2-215609791-A-C.
Other names: c.1846T>G, p.Trp616Gly (NM_001282543.2); c.550T>G, p.Trp184Gly (NM_001282545.2); c.493T>G, p.Trp165Gly (NM_001282548.2); c.365-14559T>G (NM_001282549.2); short protein forms W165G, W184G, W616G, W635G.
Identifiers: ClinVar variation 926856 (VCV000926856.7), dbSNP rs1693033615, ClinGen allele CA350452043.

ClinVar aggregate classification (germline): Uncertain significance. Review status: criteria provided, multiple submitters, no conflicts (2 of 4 stars). 2 submissions from 2 submitters: Uncertain significance (2). Last evaluated 2024-05-15.

Conditions:
Hereditary cancer-predisposing syndrome. Also called: Neoplastic Syndromes, Hereditary; Tumor predisposition; Hereditary Cancer Syndrome; Hereditary neoplastic syndrome. Identifiers: Orphanet 140162, MedGen C0027672, MeSH D009386, MONDO:0015356.
Familial cancer of breast. Also called: BREAST CANCER, FAMILIAL; Hereditary breast cancer; hereditary breast carcinoma. Identifiers: Orphanet 227535, MedGen C0346153, MONDO:0016419, OMIM 114480. Disease mechanism: loss of function.

Submissions (2):

Labcorp Genetics (formerly Invitae), Labcorp
Classification: Uncertain significance for Familial cancer of breast. Last evaluated: 2024-05-15. Review status: criteria provided, single submitter. Criteria: Invitae Variant Classification Sherloc (09022015). Collection method: clinical testing. Allele origin: germline.
Comment: This sequence change replaces tryptophan, which is neutral and slightly polar, with glycine, which is neutral and non-polar, at codon 635 of the BARD1 protein (p.Trp635Gly). This variant is not present in population databases (gnomAD no frequency). This variant has not been reported in the literature in individuals affected with BARD1-related conditions. ClinVar contains an entry for this variant (Variation ID: 926856). An algorithm developed to predict the effect of missense changes on protein structure and function (PolyPhen-2) suggests that this variant is likely to be disruptive. In summary, the available evidence is currently insufficient to determine the role of this variant in disease. Therefore, it has been classified as a Variant of Uncertain Significance.

Color Diagnostics, LLC DBA Color Health
Classification: Uncertain significance for Hereditary cancer-predisposing syndrome. Last evaluated: 2019-06-23. Review status: criteria provided, single submitter. Criteria: ACMG Guidelines, 2015. Collection method: clinical testing. Allele origin: germline.